The following is an entry in ClinVar:

NM_001303256.3(MORC2):c.966A>T (p.Gly322=)

Gene: MORC2 (MORC family CW-type zinc finger 2; minus strand). Cytogenetic location: 22q12.2.
Variant type: single nucleotide variant.
Coding change: c.966A>T on transcript NM_001303256.3 (MANE Select); coding-DNA position 966, A replaced by T.
Protein change: p.Gly322=; no amino-acid change (glycine 322 retained).
Molecular consequence: synonymous variant.
Genome position (GRCh38, 1-based): chr22:30,939,980, T>A on the plus strand (A>T on the coding strand, the complement: MORC2 is on the minus strand). VCF-style: chr22-30939980-T-A. GRCh37 (hg19) VCF-style: chr22-31335967-T-A.
Other names: p.Gly322=; c.966A>T, p.Gly322= (NM_001303257.2); c.780A>T, p.Gly260= (NM_014941.3).
Identifiers: ClinVar variation 475601 (VCV000475601.21), dbSNP rs16989204, ClinGen allele CA10187091.
Genomic context (GRCh38, chr22:30,939,980, plus strand): 5'-AGAAACGCTGGAGAACAGCCGCCTGGGCCGGGACCTTACCCTGGAGTCCCGCGTGAGGTC[T>A]CCACCTAGGCGTACTTCTAATGTCCGAGCTTTGCTCTCTGCCTCCCGCGCCTTCTCTTCA-3'
Protein context (NP_001290185.1, residues 312-332): KARTLEVRLG[Gly322=]DLTRDSRVML

ClinVar aggregate classification (germline): Benign. Review status: criteria provided, multiple submitters, no conflicts (2 of 4 stars). 7 submissions from 6 submitters: Benign (6). 1 of the submissions does not count toward it. Last evaluated 2026-02-02.

Conditions:
MORC2-related disorder. Also called: MORC2-related condition.
Developmental delay, impaired growth, dysmorphic facies, and axonal neuropathy. Identifiers: MedGen C5436781, MONDO:0030835, OMIM 619090.
Charcot-Marie-Tooth disease axonal type 2Z. Also called: CHARCOT-MARIE-TOOTH DISEASE, AXONAL, AUTOSOMAL DOMINANT, TYPE 2Z; CHARCOT-MARIE-TOOTH NEUROPATHY, TYPE 2Z. Identifiers: Orphanet 466768, MedGen C5569025, MONDO:0014736, OMIM 616688.

Allele frequency attached by ClinVar (database versions not stated): gnomAD exomes 0.00501 and 0.01291; ExAC 0.01604; gnomAD 0.05044 and 0.05416; 1000 Genomes Project 0.05451; TOPMed 0.05701; ESP Exome Variant Server 0.05797; 1000 Genomes Project 30x 0.05809.
gnomAD v4.1: 15,245 of 1,613,916 alleles (0.94%); highest among the groups gnomAD compares: African/African-American, 18%; 1,251 homozygotes.

Submissions (29):

Labcorp Genetics (formerly Invitae), Labcorp
Classification: Benign for Charcot-Marie-Tooth disease axonal type 2Z. Last evaluated: 2026-02-02. Review status: criteria provided, single submitter. Criteria: Invitae Variant Classification Sherloc (09022015). Collection method: clinical testing. Allele origin: germline.

Mayo Clinic Laboratories, Mayo Clinic
Classification: Benign. Last evaluated: 2022-03-23. Review status: criteria provided, single submitter. Criteria: ACMG Guidelines, 2015. Collection method: clinical testing. Allele origin: germline. Observed: 12 variant alleles.

Genome-Nilou Lab
Classification: Benign for Charcot-Marie-Tooth disease axonal type 2Z. Last evaluated: 2022-03-15. Review status: criteria provided, single submitter. Criteria: ACMG Guidelines, 2015. Collection method: clinical testing. Allele origin: germline. Affected: no.

Genome-Nilou Lab
Classification: Benign for Developmental delay, impaired growth, dysmorphic facies, and axonal neuropathy. Last evaluated: 2022-03-15. Review status: criteria provided, single submitter. Criteria: ACMG Guidelines, 2015. Collection method: clinical testing. Allele origin: germline. Affected: no.

GeneDx
Classification: Benign. Last evaluated: 2018-08-03. Review status: criteria provided, single submitter. Criteria: GeneDx Variant Classification Process June 2021. Collection method: clinical testing. Allele origin: germline. Affected: yes.

Breakthrough Genomics
Classification: Benign. Review status: criteria provided, single submitter. Criteria: ACMG Guidelines, 2015. Collection method: not provided. Allele origin: germline. Inheritance: Autosomal dominant inheritance. Affected: yes.

PreventionGenetics, part of Exact Sciences
Classification: Benign for MORC2-related condition. Last evaluated: 2019-10-28. Review status: no assertion criteria provided. Collection method: clinical testing. Allele origin: germline. Not counted in ClinVar's aggregate classification.
Comment: This variant is classified as benign based on ACMG/AMP sequence variant interpretation guidelines (Richards et al. 2015 PMID: 25741868, with internal and published modifications).

Dr. Peter K. Rogan Lab, Western University
No classification provided (evidence only). Condition: Clear cell carcinoma of kidney. Review status: no classification provided. Collection method: in vitro. Allele origin: not applicable. Functional consequence: retained intron. Not counted in ClinVar's aggregate classification.

Dr. Peter K. Rogan Lab, Western University
No classification provided (evidence only). Condition: Clear cell carcinoma of kidney. Review status: no classification provided. Collection method: in vitro. Allele origin: not applicable. Functional consequence: retained intron. Not counted in ClinVar's aggregate classification.

Dr. Peter K. Rogan Lab, Western University
No classification provided (evidence only). Condition: Lung cancer. Review status: no classification provided. Collection method: in vitro. Allele origin: not applicable. Functional consequence: retained intron. Not counted in ClinVar's aggregate classification.

Dr. Peter K. Rogan Lab, Western University
No classification provided (evidence only). Condition: Lung cancer. Review status: no classification provided. Collection method: in vitro. Allele origin: not applicable. Functional consequence: retained intron. Not counted in ClinVar's aggregate classification.

Dr. Peter K. Rogan Lab, Western University
No classification provided (evidence only). Condition: Lung cancer. Review status: no classification provided. Collection method: in vitro. Allele origin: not applicable. Functional consequence: retained intron. Not counted in ClinVar's aggregate classification.

Dr. Peter K. Rogan Lab, Western University
No classification provided (evidence only). Condition: Acute myeloid leukemia. Review status: no classification provided. Collection method: in vitro. Allele origin: not applicable. Functional consequence: retained intron. Not counted in ClinVar's aggregate classification.

Dr. Peter K. Rogan Lab, Western University
No classification provided (evidence only). Condition: Acute myeloid leukemia. Review status: no classification provided. Collection method: in vitro. Allele origin: not applicable. Functional consequence: retained intron. Not counted in ClinVar's aggregate classification.

Dr. Peter K. Rogan Lab, Western University
No classification provided (evidence only). Condition: Thyroid cancer, nonmedullary, 1. Review status: no classification provided. Collection method: in vitro. Allele origin: not applicable. Functional consequence: retained intron. Not counted in ClinVar's aggregate classification.

Dr. Peter K. Rogan Lab, Western University
No classification provided (evidence only). Condition: Cervical cancer. Review status: no classification provided. Collection method: in vitro. Allele origin: not applicable. Functional consequence: retained intron. Not counted in ClinVar's aggregate classification.

Dr. Peter K. Rogan Lab, Western University
No classification provided (evidence only). Condition: Cervical cancer. Review status: no classification provided. Collection method: in vitro. Allele origin: not applicable. Functional consequence: retained intron. Not counted in ClinVar's aggregate classification.

Dr. Peter K. Rogan Lab, Western University
No classification provided (evidence only). Condition: Cervical cancer. Review status: no classification provided. Collection method: in vitro. Allele origin: not applicable. Functional consequence: retained intron. Not counted in ClinVar's aggregate classification.

Dr. Peter K. Rogan Lab, Western University
No classification provided (evidence only). Condition: Cervical cancer. Review status: no classification provided. Collection method: in vitro. Allele origin: not applicable. Functional consequence: retained intron. Not counted in ClinVar's aggregate classification.

Dr. Peter K. Rogan Lab, Western University
No classification provided (evidence only). Condition: Cervical cancer. Review status: no classification provided. Collection method: in vitro. Allele origin: not applicable. Functional consequence: retained intron. Not counted in ClinVar's aggregate classification.

Dr. Peter K. Rogan Lab, Western University
No classification provided (evidence only). Condition: Cervical cancer. Review status: no classification provided. Collection method: in vitro. Allele origin: not applicable. Functional consequence: retained intron. Not counted in ClinVar's aggregate classification.

Dr. Peter K. Rogan Lab, Western University
No classification provided (evidence only). Condition: Hepatocellular carcinoma. Review status: no classification provided. Collection method: in vitro. Allele origin: not applicable. Functional consequence: retained intron. Not counted in ClinVar's aggregate classification.

Dr. Peter K. Rogan Lab, Western University
No classification provided (evidence only). Condition: Hepatocellular carcinoma. Review status: no classification provided. Collection method: in vitro. Allele origin: not applicable. Functional consequence: retained intron. Not counted in ClinVar's aggregate classification.

Dr. Peter K. Rogan Lab, Western University
No classification provided (evidence only). Condition: Thymoma. Review status: no classification provided. Collection method: in vitro. Allele origin: not applicable. Functional consequence: retained intron. Not counted in ClinVar's aggregate classification.

Dr. Peter K. Rogan Lab, Western University
No classification provided (evidence only). Condition: Ovarian serous cystadenocarcinoma. Review status: no classification provided. Collection method: in vitro. Allele origin: not applicable. Functional consequence: retained intron. Not counted in ClinVar's aggregate classification.

Dr. Peter K. Rogan Lab, Western University
No classification provided (evidence only). Condition: Ovarian serous cystadenocarcinoma. Review status: no classification provided. Collection method: in vitro. Allele origin: not applicable. Functional consequence: retained intron. Not counted in ClinVar's aggregate classification.

Dr. Peter K. Rogan Lab, Western University
No classification provided (evidence only). Condition: Uterine carcinosarcoma. Review status: no classification provided. Collection method: in vitro. Allele origin: not applicable. Functional consequence: retained intron. Not counted in ClinVar's aggregate classification.

Dr. Peter K. Rogan Lab, Western University
No classification provided (evidence only). Condition: Malignant tumor of esophagus. Review status: no classification provided. Collection method: in vitro. Allele origin: not applicable. Functional consequence: retained intron. Not counted in ClinVar's aggregate classification.

Dr. Peter K. Rogan Lab, Western University
No classification provided (evidence only). Condition: Malignant tumor of esophagus. Review status: no classification provided. Collection method: in vitro. Allele origin: not applicable. Functional consequence: retained intron. Not counted in ClinVar's aggregate classification.